The following is an entry in ClinVar:

ClinVar aggregate classification (germline): Uncertain significance. Review status: criteria provided, multiple submitters, no conflicts (2 of 4 stars). 3 submissions from 3 submitters: Uncertain significance (3). Last evaluated 2024-04-29.

Conditions:
Microangiopathy and leukoencephalopathy, pontine, autosomal dominant. Also called: DEMENTIA, HEREDITARY MULTI-INFARCT, SWEDISH TYPE; Pontine autosomal dominant microangiopathy with leukoencephalopathy. Identifiers: Orphanet 477749, MedGen C5231411, MONDO:0032814, OMIM 618564.
Hemorrhage, intracerebral, susceptibility to (ICH). Also called: Stroke, hemorrhagic, susceptibility to. Identifiers: MedGen C3281105, MONDO:0100533, OMIM 614519.
Retinal arterial tortuosity. Also called: Retinal arteries, tortuosity of; RETINAL HEMORRHAGE WITH VASCULAR TORTUOSITY. Identifiers: Orphanet 75326, MedGen C0423401, MONDO:0008373, OMIM 180000, HP:0000631.
Brain small vessel disease 1 with or without ocular anomalies (BSVD1). Also called: BRAIN SMALL VESSEL DISEASE WITH HEMORRHAGE; Brain small vessel disease with or without ocular anomalies; GOULD SYNDROME 1; PORENCEPHALY, TYPE 1, AUTOSOMAL DOMINANT. Identifiers: Orphanet 2940, Orphanet 36383, Orphanet 99810, MedGen C4755307, MONDO:0008289, OMIM 175780.
Autosomal dominant familial hematuria-retinal arteriolar tortuosity-contractures syndrome. Also called: Angiopathy, hereditary, with nephropathy, aneurysms, and muscle cramps; Hereditary Angiopathy with Nephropathy, Aneurysms, and Muscle Cramps (HANAC) Syndrome. Identifiers: Orphanet 73229, MedGen C2673195, MONDO:0012726, OMIM 611773.

Allele frequency attached by ClinVar (database versions not stated): gnomAD 0.00001; TOPMed 0.00001.
gnomAD v4.1: 4 of 1,613,130 alleles (0.00025%); highest among the groups gnomAD compares: Non-Finnish European, 0.00025%; no homozygotes.

Submissions (3):

Fulgent Genetics
Classification: Uncertain significance for Brain small vessel disease 1 with or without ocular anomalies; Retinal arterial tortuosity; Autosomal dominant familial hematuria-retinal arteriolar tortuosity-contractures syndrome; Hemorrhage, intracerebral, susceptibility to; Microangiopathy and leukoencephalopathy, pontine, autosomal dominant. Last evaluated: 2024-04-29. Review status: criteria provided, single submitter. Criteria: ACMG Guidelines, 2015. Collection method: clinical testing. Allele origin: germline.

Women's Health and Genetics/Laboratory Corporation of America, LabCorp
Classification: Uncertain significance. Last evaluated: 2024-04-18. Review status: criteria provided, single submitter. Criteria: LabCorp Variant Classification Summary - May 2015. Collection method: clinical testing. Allele origin: germline.
Comment: Variant summary: COL4A1 c.2968+6G>A alters a non-conserved nucleotide located close to a canonical splice site and therefore could affect mRNA splicing, leading to a significantly altered protein sequence. Consensus agreement among computation tools predict no significant impact on normal splicing. However, these predictions have yet to be confirmed by functional studies. The variant allele was found at a frequency of 4e-06 in 251184 control chromosomes. The available data on variant occurrences in the general population are insufficient to allow any conclusion about variant significance. To our knowledge, no occurrence of c.2968+6G>A in individuals affected with Porencephaly 1 and no experimental evidence demonstrating its impact on protein function have been reported. ClinVar contains an entry for this variant (Variation ID: 3020839). Based on the evidence outlined above, the variant was classified as uncertain significance.

Labcorp Genetics (formerly Invitae), Labcorp
Classification: Uncertain significance. Last evaluated: 2023-07-10. Review status: criteria provided, single submitter. Criteria: Invitae Variant Classification Sherloc (09022015). Collection method: clinical testing. Allele origin: germline.
Comment: In summary, the available evidence is currently insufficient to determine the role of this variant in disease. Therefore, it has been classified as a Variant of Uncertain Significance. Variants that disrupt the consensus splice site are a relatively common cause of aberrant splicing (PMID: 17576681, 9536098). Algorithms developed to predict the effect of sequence changes on RNA splicing suggest that this variant is not likely to affect RNA splicing. This variant has not been reported in the literature in individuals affected with COL4A1-related conditions. This variant is present in population databases (no rsID available, gnomAD 0.0009%). This sequence change falls in intron 35 of the COL4A1 gene. It does not directly change the encoded amino acid sequence of the COL4A1 protein. It affects a nucleotide within the consensus splice site.

Literature cited by the submitters: PubMed 17576681 (cited by Labcorp Genetics (formerly Invitae), Labcorp); PubMed 9536098 (cited by Labcorp Genetics (formerly Invitae), Labcorp).

NM_001845.6(COL4A1):c.2968+6G>A

Gene: COL4A1 (collagen type IV alpha 1 chain; minus strand). Cytogenetic location: 13q34.
Variant type: single nucleotide variant.
Coding change: c.2968+6G>A on transcript NM_001845.6 (MANE Select); 6 bases into the intron after coding-DNA position 2968, G replaced by A.
Molecular consequence: intron variant.
Genome position (GRCh38, 1-based): chr13:110,176,620, C>T on the plus strand (G>A on the coding strand, the complement: COL4A1 is on the minus strand). VCF-style: chr13-110176620-C-T. GRCh37 (hg19) VCF-style: chr13-110828967-C-T.
Identifiers: ClinVar variation 3020839 (VCV003020839.5), dbSNP rs760570181, ClinGen allele CA612866319.
Genomic context (GRCh38, chr13:110,176,620, plus strand): 5'-GAGCTGGGGAACACAGGCCTCATCCTGAGCCCTTGCCACACTGGGGACCGGAGCTCCACA[C>T]TGTACCTGGCTGCCCAGGCTGTCCTGCCTGCCCGTCCTTTCCAGGCACTCCTGGGGTCCC-3'